The following is an entry in ClinVar:

ClinVar aggregate classification (germline): Uncertain significance (1 of 4 stars; one submission).

Allele frequency attached by ClinVar (database versions not stated): gnomAD exomes 0.00001; ExAC 0.00002; TOPMed 0.00002.

Submission:

Labcorp Genetics (formerly Invitae), Labcorp
Classification: Uncertain significance. Last evaluated: 2022-11-01. Review status: criteria provided, single submitter. Criteria: Invitae Variant Classification Sherloc (09022015). Collection method: clinical testing. Allele origin: germline.
Comment: This sequence change replaces arginine, which is basic and polar, with glycine, which is neutral and non-polar, at codon 61 of the PCYT1A protein (p.Arg61Gly). This variant is present in population databases (rs760187621, gnomAD 0.01%). In summary, the available evidence is currently insufficient to determine the role of this variant in disease. Therefore, it has been classified as a Variant of Uncertain Significance. Advanced modeling of protein sequence and biophysical properties (such as structural, functional, and spatial information, amino acid conservation, physicochemical variation, residue mobility, and thermodynamic stability) performed at Invitae indicates that this missense variant is not expected to disrupt PCYT1A protein function. This variant has not been reported in the literature in individuals affected with PCYT1A-related conditions.

NM_001312673.2(PCYT1A):c.181A>G (p.Arg61Gly)

Gene: PCYT1A (phosphate cytidylyltransferase 1A, choline; minus strand). Cytogenetic location: 3q29.
Variant type: single nucleotide variant.
Coding change: c.181A>G on transcript NM_001312673.2 (MANE Select); coding-DNA position 181, A replaced by G.
Protein change: p.Arg61Gly; replaces arginine 61 with glycine.
Molecular consequence: missense variant.
Genome position (GRCh38, 1-based): chr3:196,257,824, T>C on the plus strand (A>G on the coding strand, the complement: PCYT1A is on the minus strand). VCF-style: chr3-196257824-T-C. GRCh37 (hg19) VCF-style: chr3-195984695-T-C.
Other names: c.181A>G, p.Arg61Gly (NM_005017.4); short protein forms R61G.
Identifiers: ClinVar variation 2126996 (VCV002126996.4), dbSNP rs760187621, ClinGen allele CA2779611.
Genomic context (GRCh38, chr3:196,257,824, plus strand): 5'-CAAATTAAGAAGGTATTTACTTACAAGGAGTTCCTCTGCTGGCTTCTTCCATAGTTACCC[T>C]GACATAGGGCTTACTAAAGTCAACTTCAATTTCATCAGAAAAAGGAGCTGGTTGCCGTAA-3'
Protein context (NP_001299602.1, residues 51-71): IEVDFSKPYV[Arg61Gly]VTMEEASRGT